The following is an entry in ClinVar:

NM_001349798.2(FBXW7):c.308A>G (p.Glu103Gly)

Gene: FBXW7 (F-box and WD repeat domain containing 7; minus strand). Cytogenetic location: 4q31.3.
Variant type: single nucleotide variant.
Coding change: c.308A>G on transcript NM_001349798.2 (MANE Select); coding-DNA position 308, A replaced by G.
Protein change: p.Glu103Gly; replaces glutamic acid 103 with glycine.
Molecular consequence: missense variant.
Genome position (GRCh38, 1-based): chr4:152,411,496, T>C on the plus strand (A>G on the coding strand, the complement: FBXW7 is on the minus strand). VCF-style: chr4-152411496-T-C. GRCh37 (hg19) VCF-style: chr4-153332648-T-C.
Other names: c.308A>G, p.Glu103Gly (NM_001257069.1, NM_033632.3); short protein forms E103G.
Identifiers: ClinVar variation 4532387 (VCV004532387.1).

ClinVar aggregate classification (germline): Uncertain significance (1 of 4 stars; one submission).

Submission:

GeneDx
Classification: Uncertain significance. Last evaluated: 2025-05-28. Review status: criteria provided, single submitter. Criteria: GeneDx Variant Classification Process June 2021. Collection method: clinical testing. Allele origin: germline. Affected: yes.
Comment: Not observed at significant frequency in large population cohorts (gnomAD); In silico analysis suggests that this missense variant does not alter protein structure/function; Has not been previously published as pathogenic or benign to our knowledge